The following is an entry in ClinVar:

NM_000204.5(CFI):c.163A>T (p.Ile55Phe)

Gene: CFI (complement factor I; minus strand). Cytogenetic location: 4q25.
Variant type: single nucleotide variant.
Coding change: c.163A>T on transcript NM_000204.5 (MANE Select); coding-DNA position 163, A replaced by T.
Protein change: p.Ile55Phe; replaces isoleucine 55 with phenylalanine.
Molecular consequence: missense variant. On other transcripts: non-coding transcript variant (3), intron variant (1).
Genome position (GRCh38, 1-based): chr4:109,766,719, T>A on the plus strand (A>T on the coding strand, the complement: CFI is on the minus strand). VCF-style: chr4-109766719-T-A. GRCh37 (hg19) VCF-style: chr4-110687875-T-A.
Other names: c.163A>T, p.Ile55Phe (NM_001318057.2, NM_001331035.2, NM_001375278.1 and 5 more transcripts); c.-127-5027A>T (NM_001375284.1); short protein forms I55F.
Identifiers: ClinVar variation 3589776 (VCV003589776.2).
Genomic context (GRCh38, chr4:109,766,719, plus strand): 5'-ACACTGCAGTGCCATTCTTTGGGCACTGATACGGTAGTTTACAAACACAGGTGCCCTCAA[T>A]GCATCTCTGCCATGGCTGGCAGAAGACTTTATCGCAGGAGAGGTGAGTATATTTTTTTGC-3'
Protein context (NP_000195.3, residues 45-65): KVFCQPWQRC[Ile55Phe]EGTCVCKLPY

ClinVar aggregate classification (germline): Uncertain significance. Review status: criteria provided, multiple submitters, no conflicts (2 of 4 stars). 2 submissions from 2 submitters: Uncertain significance (2). Last evaluated 2025-09-26.

Conditions:
Atypical hemolytic-uremic syndrome with I factor anomaly. Also called: HEMOLYTIC UREMIC SYNDROME, ATYPICAL, SUSCEPTIBILITY TO, 3; AHUS, SUSCEPTIBILITY TO, 3. Identifiers: Orphanet 2134, MedGen C2752039, MONDO:0013041, OMIM 612923.
Factor I deficiency (CFID). Also called: Complement factor I deficiency. Identifiers: Orphanet 200418, MedGen C3463916, MONDO:0012594, OMIM 610984.
Age related macular degeneration 13. Identifiers: MedGen C3809523, MONDO:0014189, OMIM 615439.
CFI-related disorder. Also called: CFI-related condition; CFI-related disorders. Identifiers: MedGen CN239325.

gnomAD v4.1: 14 of 1,614,092 alleles (0.00087%); highest among the groups gnomAD compares: African/African-American, 0.0013%; no homozygotes.

Submissions (2):

Genomenon, Inc
Classification: Uncertain significance for CFI-related disorder. Last evaluated: 2025-09-26. Review status: criteria provided, single submitter. Criteria: Genomenon Sequence Variant Interpretation Standards - Updated. Collection method: curation. Allele origin: germline. Affected: no.
Comment: CFI p.Ile55Phe (c.163A>T) is a missense variant that changes the amino acid at residue 55 from Isoleucine to Phenylalanine. To our knowledge, this variant has not been reported in patients affected with CFI-related disorders in the published literature. Functional studies have been reported; however, the significance of the findings remain unclear (PMID:37954579;32510551). It is absent or not present at a significant frequency in gnomAD. In silico models agree that this variant is not damaging. In conclusion, we classify CFI p.Ile55Phe (c.163A>T) as a variant of unknown significance.

Fulgent Genetics
Classification: Uncertain significance for Factor I deficiency; Atypical hemolytic-uremic syndrome with I factor anomaly; Age related macular degeneration 13. Last evaluated: 2024-04-17. Review status: criteria provided, single submitter. Criteria: ACMG Guidelines, 2015. Collection method: clinical testing. Allele origin: germline.

Literature cited by the submitters: PubMed 37954579 (cited by Genomenon, Inc); 32510551 (cited by Genomenon, Inc).